The following is an entry in ClinVar:

NM_052867.4(NALCN):c.1805T>G (p.Leu602Ter)

Gene: NALCN (sodium leak channel, non-selective; minus strand). Cytogenetic location: 13q33.1.
Variant type: single nucleotide variant.
Coding change: c.1805T>G on transcript NM_052867.4 (MANE Select); coding-DNA position 1805, T replaced by G.
Protein change: p.Leu602Ter; replaces leucine 602 with a stop codon.
Molecular consequence: nonsense.
Genome position (GRCh38, 1-based): chr13:101,176,334, A>C on the plus strand (T>G on the coding strand, the complement: NALCN is on the minus strand). VCF-style: chr13-101176334-A-C. GRCh37 (hg19) VCF-style: chr13-101828685-A-C.
Other names: c.1805T>G, p.Leu602Ter (NM_001350748.2, NM_001350749.2); c.1718T>G, p.Leu573Ter (NM_001350750.2, NM_001350751.2); short protein forms L573*, L602*.
Identifiers: ClinVar variation 4849960 (VCV004849960.1).

ClinVar aggregate classification (germline): Likely pathogenic (1 of 4 stars; one submission).

Conditions:
Hypotonia, infantile, with psychomotor retardation and characteristic facies 1 (INNFD). Identifiers: Orphanet 371364, Orphanet 700336, MedGen C3809454, MONDO:0024567, OMIM 615419.

Submission:

Variantyx, Inc.
Classification: Likely pathogenic for Hypotonia, infantile, with psychomotor retardation and characteristic facies 1. Last evaluated: 2025-08-27. Review status: criteria provided, single submitter. Criteria: Variantyx Assertion Criteria 2022. Collection method: clinical testing. Allele origin: germline. Inheritance: Autosomal recessive inheritance.
Comment: This is a nonsense variant in the NALCN gene (OMIM: 611549). Pathogenic variants in this gene have been associated with autosomal recessive infantile hypotonia with psychomotor delay and characteristic facies 1. This variant introduces a premature termination codon in exon 15 out of 44 and is expected to result in loss of function, which is a known disease mechanism for NALCN in this disorder (PMID:30167850) (PVS1). This variant is absent from control populations (PM2) and it has not been reported in individuals with NALCN-related disorders in the databases available for review. Based on the current evidence, this variant is classified as likely pathogenic for autosomal recessive infantile hypotonia with psychomotor delay and characteristic facies 1.

Literature cited by the submitters: PubMed 23749988; PubMed 24075186.